The following is an entry in ClinVar:

ClinVar aggregate classification (germline): Uncertain significance (1 of 4 stars; one submission).

Allele frequency attached by ClinVar (database versions not stated): TOPMed below 0.00001.
gnomAD v4.1: 2 of 1,529,808 alleles (0.00013%); highest among the groups gnomAD compares: Admixed American, 0.0021%; no homozygotes.

Submission:

Labcorp Genetics (formerly Invitae), Labcorp
Classification: Uncertain significance. Last evaluated: 2024-11-18. Review status: criteria provided, single submitter. Criteria: Invitae Variant Classification Sherloc (09022015). Collection method: clinical testing. Allele origin: germline.
Comment: This sequence change replaces proline, which is neutral and non-polar, with arginine, which is basic and polar, at codon 201 of the TCF3 protein (p.Pro201Arg). This variant is not present in population databases (gnomAD no frequency). This variant has not been reported in the literature in individuals affected with TCF3-related conditions. ClinVar contains an entry for this variant (Variation ID: 2914745). Invitae Evidence Modeling of protein sequence and biophysical properties (such as structural, functional, and spatial information, amino acid conservation, physicochemical variation, residue mobility, and thermodynamic stability) has been performed for this missense variant. However, the output from this modeling did not meet the statistical confidence thresholds required to predict the impact of this variant on TCF3 protein function. In summary, the available evidence is currently insufficient to determine the role of this variant in disease. Therefore, it has been classified as a Variant of Uncertain Significance.

NM_003200.5(TCF3):c.602C>G (p.Pro201Arg)

Gene: TCF3 (transcription factor 3; minus strand). Cytogenetic location: 19p13.3.
Variant type: single nucleotide variant.
Coding change: c.602C>G on transcript NM_003200.5 (MANE Select); coding-DNA position 602, C replaced by G.
Protein change: p.Pro201Arg; replaces proline 201 with arginine.
Molecular consequence: missense variant.
Genome position (GRCh38, 1-based): chr19:1,622,363, G>C on the plus strand (C>G on the coding strand, the complement: TCF3 is on the minus strand). VCF-style: chr19-1622363-G-C. GRCh37 (hg19) VCF-style: chr19-1622362-G-C.
Other names: c.602C>G, p.Pro201Arg (NM_001136139.4, NM_001351778.2, NM_001351779.2); short protein forms P201R.
Identifiers: ClinVar variation 2914745 (VCV002914745.3), dbSNP rs770464889, ClinGen allele CA403056133.